The following is an entry in ClinVar:

ClinVar aggregate classification (germline): Likely benign. Review status: reviewed by expert panel (3 of 4 stars). 6 submissions from 6 submitters: Likely benign (1). 5 of the submissions do not count toward it. Last evaluated 2017-06-29.

Conditions:
Hereditary cancer-predisposing syndrome. Also called: Hereditary Cancer Syndrome; Hereditary neoplastic syndrome; Neoplastic Syndromes, Hereditary; Tumor predisposition. Identifiers: Orphanet 140162, MedGen C0027672, MeSH D009386, MONDO:0015356.
Breast-ovarian cancer, familial, susceptibility to, 1 (BROVCA1). Also called: BRCA1 Hereditary Breast and Ovarian Cancer; OVARIAN CANCER, SUSCEPTIBILITY TO. Identifiers: Orphanet 145, MedGen C2676676, MONDO:0011450, OMIM 604370. Disease mechanism: loss of function.
Hereditary breast ovarian cancer syndrome. Also called: BRCA1- and BRCA2-Associated Hereditary Breast and Ovarian Cancer; Hereditary breast and ovarian cancer syndrome; Hereditary breast and ovarian cancer syndrome (HBOC); Breast and ovarian cancer; Hereditary breast and/or ovarian cancer syndrome; Hereditary breast and ovarian cancer. Identifiers: Orphanet 145, MedGen C0677776, MeSH D061325, MONDO:0003582. Disease mechanism: loss of function.

gnomAD v4.1: 2 of 1,613,810 alleles (0.00012%); highest among the groups gnomAD compares: Non-Finnish European, 0.00017%; no homozygotes.

Submissions (6):

Evidence-based Network for the Interpretation of Germline Mutant Alleles (ENIGMA)
Classification: Likely benign for Breast-ovarian cancer, familial, susceptibility to, 1. Last evaluated: 2017-06-29. Review status: reviewed by expert panel. Criteria: ENIGMA BRCA1/2 Classification Criteria (2017-06-29). Collection method: curation. Allele origin: germline.
Comment: Synonymous substitution variant, with low bioinformatic likelihood to result in a splicing aberration (Splicing prior probability 0.02).

Labcorp Genetics (formerly Invitae), Labcorp
Classification: Likely benign for Hereditary breast ovarian cancer syndrome. Last evaluated: 2024-04-16. Review status: criteria provided, single submitter. Criteria: Invitae Variant Classification Sherloc (09022015). Collection method: clinical testing. Allele origin: germline. Not counted in ClinVar's aggregate classification.

Sema4
Classification: Likely benign for Hereditary cancer-predisposing syndrome. Last evaluated: 2020-10-19. Review status: criteria provided, single submitter. Criteria: Sema4 Curation Guidelines. Collection method: curation. Allele origin: germline. Not counted in ClinVar's aggregate classification.

Ambry Genetics
Classification: Likely benign for Hereditary cancer-predisposing syndrome. Last evaluated: 2019-03-31. Review status: criteria provided, single submitter. Criteria: Ambry Variant Classification Scheme 2023. Collection method: clinical testing. Allele origin: germline. Not counted in ClinVar's aggregate classification.

Counsyl
Classification: Likely benign for Breast-ovarian cancer, familial, susceptibility to, 1. Last evaluated: 2015-12-04. Review status: no assertion criteria provided. Collection method: clinical testing. Allele origin: unknown. Not counted in ClinVar's aggregate classification.

Breast Cancer Information Core (BIC) (BRCA1)
Classification: Uncertain significance for Breast-ovarian cancer, familial 1. Last evaluated: 2000-01-01. Review status: no assertion criteria provided. Collection method: clinical testing. Allele origin: germline. Affected: yes. Observed: 540 variant alleles. Not counted in ClinVar's aggregate classification.

NM_007294.4(BRCA1):c.4026A>G (p.Ser1342=)

Genes: BRCA1 (BRCA1 DNA repair associated; minus strand), LOC126862571 (BRD4-independent group 4 enhancer GRCh37_chr17:41243136-41244335; plus strand). Cytogenetic location: 17q21.31.
Variant type: single nucleotide variant.
Coding change: c.4026A>G on transcript NM_007294.4 (MANE Select); coding-DNA position 4026, A replaced by G.
Protein change: p.Ser1342=; no amino-acid change (serine 1342 retained).
Molecular consequence: synonymous variant. On other transcripts: intron variant (135).
Genome position (GRCh38, 1-based): chr17:43,091,505, T>C on the plus strand (A>G on the coding strand, the complement: BRCA1 is on the minus strand). VCF-style: chr17-43091505-T-C. GRCh37 (hg19) VCF-style: chr17-41243522-T-C.
Other names: 4145A/G; c.662-473A>G (NM_001408447.1, NM_001408433.1, NM_001408446.1 and 6 more transcripts); c.785-473A>G (NM_001408400.1, NM_001408392.1, NM_001407986.1 and 13 more transcripts); c.665-473A>G (NM_001408441.1, NM_001408437.1, NM_001408429.1 and 12 more transcripts); c.788-473A>G (NM_001407979.1, NM_001407977.1, NM_001407982.1 and 17 more transcripts); c.647-473A>G (NM_001408410.1, NM_001408458.1, NM_001408469.1 and 11 more transcripts); c.710-473A>G (NM_001408415.1, NM_001408412.1, NM_001408409.1 and 2 more transcripts); c.578-473A>G (NM_001408483.1, NM_001408481.1, NM_001408480.1 and 9 more transcripts); and 42 more.
Identifiers: ClinVar variation 55076 (VCV000055076.19), dbSNP rs80356828, ClinGen allele CA002570.